The following is an entry in ClinVar:

ClinVar aggregate classification (germline): Uncertain significance (1 of 4 stars; one submission).

Conditions:
Intellectual developmental disorder, autosomal dominant 1. Also called: MBD5 Haploinsufficiency; Intellectual disability, autosomal dominant 1. Identifiers: Orphanet 228402, MedGen C1969562, MONDO:0007974, OMIM 156200.

Allele frequency attached by ClinVar (database versions not stated): gnomAD exomes below 0.00001.
gnomAD v4.1: 2 of 1,613,964 alleles (0.00012%); highest among the groups gnomAD compares: Non-Finnish European, 0.00017%; no homozygotes.

Submission:

Labcorp Genetics (formerly Invitae), Labcorp
Classification: Uncertain significance for Intellectual developmental disorder, autosomal dominant 1. Last evaluated: 2024-01-29. Review status: criteria provided, single submitter. Criteria: Invitae Variant Classification Sherloc (09022015). Collection method: clinical testing. Allele origin: germline.
Comment: This sequence change replaces alanine, which is neutral and non-polar, with serine, which is neutral and polar, at codon 643 of the MBD5 protein (p.Ala643Ser). This variant is present in population databases (no rsID available, gnomAD no frequency). This variant has not been reported in the literature in individuals affected with MBD5-related conditions. Advanced modeling of protein sequence and biophysical properties (such as structural, functional, and spatial information, amino acid conservation, physicochemical variation, residue mobility, and thermodynamic stability) performed at Invitae indicates that this missense variant is not expected to disrupt MBD5 protein function with a negative predictive value of 80%. In summary, the available evidence is currently insufficient to determine the role of this variant in disease. Therefore, it has been classified as a Variant of Uncertain Significance.

NM_001378120.1(MBD5):c.1927G>T (p.Ala643Ser)

Gene: MBD5 (methyl-CpG binding domain protein 5; plus strand). Cytogenetic location: 2q23.1.
Variant type: single nucleotide variant.
Coding change: c.1927G>T on transcript NM_001378120.1 (MANE Select); coding-DNA position 1927, G replaced by T.
Protein change: p.Ala643Ser; replaces alanine 643 with serine.
Molecular consequence: missense variant.
Genome position (GRCh38, 1-based): chr2:148,469,870, G>T. VCF-style: chr2-148469870-G-T. GRCh37 (hg19) VCF-style: chr2-149227439-G-T.
Other names: c.1927G>T, p.Ala643Ser (NM_018328.5); short protein forms A643S.
Identifiers: ClinVar variation 2858306 (VCV002858306.3), dbSNP rs1336336200, ClinGen allele CA348720741.